The following is an entry in ClinVar:

NM_000260.4(MYO7A):c.6246C>T (p.Val2082=)

Gene: MYO7A (myosin VIIA; plus strand). Cytogenetic location: 11q13.5.
Variant type: single nucleotide variant.
Coding change: c.6246C>T on transcript NM_000260.4 (MANE Select); coding-DNA position 6246, C replaced by T.
Protein change: p.Val2082=; no amino-acid change (valine 2082 retained).
Molecular consequence: synonymous variant.
Genome position (GRCh38, 1-based): chr11:77,211,829, C>T. VCF-style: chr11-77211829-C-T. GRCh37 (hg19) VCF-style: chr11-76922874-C-T.
Other names: c.6132C>T, p.Val2044= (NM_001127180.2); c.6099C>T, p.Val2033= (NM_001369365.1); c.6246C>T (NM_000260.3).
Identifiers: ClinVar variation 1115870 (VCV001115870.12), dbSNP rs372215527, ClinGen allele CA6198982.

ClinVar aggregate classification (germline): Likely benign. Review status: criteria provided, multiple submitters, no conflicts (2 of 4 stars). 4 submissions from 4 submitters: Likely benign (3). 1 of the submissions does not count toward it. Last evaluated 2024-11-05.

Conditions:
MYO7A-related disorder. Also called: MYO7A-related disorders.

Allele frequency attached by ClinVar (database versions not stated): ExAC 0.00001; gnomAD exomes 0.00002; gnomAD 0.00003 and 0.00004; TOPMed 0.00006; ESP Exome Variant Server 0.00008.
gnomAD v4.1: 34 of 1,613,546 alleles (0.0021%); highest among the groups gnomAD compares: Middle Eastern, 0.016%; no homozygotes.

Submissions (4):

Labcorp Genetics (formerly Invitae), Labcorp
Classification: Likely benign. Last evaluated: 2024-11-05. Review status: criteria provided, single submitter. Criteria: Invitae Variant Classification Sherloc (09022015). Collection method: clinical testing. Allele origin: germline.

Blueprint Genetics
Classification: Likely benign. Last evaluated: 2023-04-17. Review status: criteria provided, single submitter. Criteria: ACMG Guidelines, 2015. Collection method: clinical testing. Allele origin: germline.

Breakthrough Genomics
Classification: Likely benign. Review status: criteria provided, single submitter. Criteria: ACMG Guidelines, 2015. Collection method: not provided. Allele origin: germline. Inheritance: Autosomal recessive inheritance. Affected: yes.

PreventionGenetics, part of Exact Sciences
Classification: Likely benign for MYO7A-related condition. Last evaluated: 2024-09-08. Review status: no assertion criteria provided. Collection method: clinical testing. Allele origin: germline. Not counted in ClinVar's aggregate classification.
Comment: This variant is classified as likely benign based on ACMG/AMP sequence variant interpretation guidelines (Richards et al. 2015 PMID: 25741868, with internal and published modifications).